The following is an entry in ClinVar:

NM_001164508.2(NEB):c.15445A>T (p.Ser5149Cys)

Gene: NEB (nebulin; minus strand). Cytogenetic location: 2q23.3.
Variant type: single nucleotide variant.
Coding change: c.15445A>T on transcript NM_001164508.2 (MANE Select); coding-DNA position 15445, A replaced by T.
Protein change: p.Ser5149Cys; replaces serine 5149 with cysteine.
Molecular consequence: missense variant. On other transcripts: intron variant (1).
Genome position (GRCh38, 1-based): chr2:151,587,379, T>A on the plus strand (A>T on the coding strand, the complement: NEB is on the minus strand). VCF-style: chr2-151587379-T-A. GRCh37 (hg19) VCF-style: chr2-152443893-T-A.
Other names: c.15445A>T, p.Ser5149Cys (NM_001164507.2, NM_001271208.2); c.11602-11025A>T (NM_004543.5); short protein forms S5149C.
Identifiers: ClinVar variation 383877 (VCV000383877.6), dbSNP rs1057521769, ClinGen allele CA16603780.

ClinVar aggregate classification (germline): Conflicting classifications of pathogenicity. Review status: criteria provided, conflicting classifications (1 of 4 stars). 3 submissions from 3 submitters: Uncertain significance (2); Likely benign (1). Last evaluated 2026-06-01.

Conditions:
NEB-related disorder. Also called: NEB-Related Disorders; NEB-related condition.

Submissions (3):

PreventionGenetics, part of Exact Sciences
Classification: Uncertain significance for NEB-related condition. Last evaluated: 2026-06-01. Review status: criteria provided, single submitter. Criteria: ACMG Guidelines, 2015. Collection method: clinical testing. Allele origin: germline.
Comment: The NEB c.15445A>T variant is predicted to result in the amino acid substitution p.Ser5149Cys. To our knowledge, this variant has not been reported in the literature or in a large population database (gnomAD), indicating this variant is rare. At this time, the clinical significance of this variant is uncertain due to the absence of conclusive functional and genetic evidence.

GeneDx
Classification: Likely benign. Last evaluated: 2017-11-02. Review status: criteria provided, single submitter. Criteria: GeneDx Variant Classification (06012015). Collection method: clinical testing. Allele origin: germline. Affected: yes.
Comment: This variant is considered likely benign or benign based on one or more of the following criteria: it is a conservative change, it occurs at a poorly conserved position in the protein, it is predicted to be benign by multiple in silico algorithms, and/or has population frequency not consistent with disease.

Eurofins Ntd Llc (ga)
Classification: Uncertain significance. Last evaluated: 2016-12-22. Review status: criteria provided, single submitter. Criteria: EGL Classification Definitions 2015. Collection method: clinical testing. Allele origin: germline. Observed: 1 variant allele.